The following is an entry in ClinVar:

ClinVar aggregate classification (germline): Likely benign. Review status: criteria provided, multiple submitters, no conflicts (2 of 4 stars). 2 submissions from 2 submitters: Likely benign (2). Last evaluated 2026-01-07.

Conditions:
POLD1-related polyposis and colorectal cancer syndrome (CRCS10). Also called: Colorectal cancer, susceptibility to, 10; Colorectal cancer 10; COLORECTAL CANCER, SUSCEPTIBILITY TO, ON CHROMOSOME 19q. Identifiers: Orphanet 220460, MedGen C2675481, MONDO:0012953, OMIM 612591.

Allele frequency attached by ClinVar (database versions not stated): gnomAD exomes below 0.00001; ExAC 0.00001; gnomAD 0.00001.
gnomAD v4.1: 5 of 1,613,412 alleles (0.00031%); highest among the groups gnomAD compares: African/African-American, 0.004%; no homozygotes.

Submissions (2):

Labcorp Genetics (formerly Invitae), Labcorp
Classification: Likely benign for POLD1-related polyposis and colorectal cancer syndrome. Last evaluated: 2026-01-07. Review status: criteria provided, single submitter. Criteria: Invitae Variant Classification Sherloc (09022015). Collection method: clinical testing. Allele origin: germline.

GeneDx
Classification: Likely benign. Last evaluated: 2018-04-12. Review status: criteria provided, single submitter. Criteria: GeneDx Variant Classification (06012015). Collection method: clinical testing. Allele origin: germline. Affected: yes.
Comment: This variant is considered likely benign or benign based on one or more of the following criteria: it is a conservative change, it occurs at a poorly conserved position in the protein, it is predicted to be benign by multiple in silico algorithms, and/or has population frequency not consistent with disease.

NM_002691.4(POLD1):c.2007-8C>T

Gene: POLD1 (DNA polymerase delta 1, catalytic subunit; plus strand). Cytogenetic location: 19q13.33.
Variant type: single nucleotide variant.
Coding change: c.2007-8C>T on transcript NM_002691.4 (MANE Select); 8 bases into the intron before coding-DNA position 2007, C replaced by T.
Molecular consequence: intron variant.
Genome position (GRCh38, 1-based): chr19:50,409,511, C>T. VCF-style: chr19-50409511-C-T. GRCh37 (hg19) VCF-style: chr19-50912768-C-T.
Other names: c.2007-8C>T (NM_001256849.1); c.2085-8C>T (NM_001308632.1).
Identifiers: ClinVar variation 682057 (VCV000682057.9), dbSNP rs760014473, ClinGen allele CA9596368.
Genomic context (GRCh38, chr19:50,409,511, plus strand): 5'-TTCCAGAAAGGAGCCCTGACCAATGCCCAGGTGCCGCCTGAGTGTGCTTTCCCCGTGTTC[C>T]CTCGCAGGGCCAAGGCCGAGCTGGCCAAGGAGACAGACCCCCTCCGGCGCCAGGTCCTGG-3'